The following is an entry in ClinVar:

NM_003126.4(SPTA1):c.4426C>T (p.Gln1476Ter)

Gene: SPTA1 (spectrin alpha, erythrocytic 1; minus strand). Cytogenetic location: 1q23.1.
Variant type: single nucleotide variant.
Coding change: c.4426C>T on transcript NM_003126.4 (MANE Select); coding-DNA position 4426, C replaced by T.
Protein change: p.Gln1476Ter; replaces glutamine 1476 with a stop codon.
Molecular consequence: nonsense.
Genome position (GRCh38, 1-based): chr1:158,643,338, G>A on the plus strand (C>T on the coding strand, the complement: SPTA1 is on the minus strand). VCF-style: chr1-158643338-G-A. GRCh37 (hg19) VCF-style: chr1-158613128-G-A.
Other names: short protein forms Q1476*.
Identifiers: ClinVar variation 3726655 (VCV003726655.2).

ClinVar aggregate classification (germline): Pathogenic (1 of 4 stars; one submission).

Submission:

Labcorp Genetics (formerly Invitae), Labcorp
Classification: Pathogenic. Last evaluated: 2024-12-04. Review status: criteria provided, single submitter. Criteria: Invitae Variant Classification Sherloc (09022015). Collection method: clinical testing. Allele origin: germline.
Comment: This sequence change creates a premature translational stop signal (p.Gln1476*) in the SPTA1 gene. It is expected to result in an absent or disrupted protein product. Loss-of-function variants in SPTA1 are known to be pathogenic (PMID: 9192783, 18815189, 31333484, 31723846, 32266426). This variant is not present in population databases (gnomAD no frequency). This variant has not been reported in the literature in individuals affected with SPTA1-related conditions. Algorithms developed to predict the effect of sequence changes on RNA splicing suggest that this variant may disrupt the consensus splice site. For these reasons, this variant has been classified as Pathogenic.

Literature cited by the submitters: PubMed 9192783; PubMed 18815189; PubMed 31333484; PubMed 31723846; PubMed 32266426.